The following is an entry in ClinVar:

NM_153704.6(TMEM67):c.370G>A (p.Glu124Lys)

Gene: TMEM67 (transmembrane protein 67; plus strand). Cytogenetic location: 8q22.1.
Variant type: single nucleotide variant.
Coding change: c.370G>A on transcript NM_153704.6 (MANE Select); coding-DNA position 370, G replaced by A.
Protein change: p.Glu124Lys; replaces glutamic acid 124 with lysine.
Molecular consequence: missense variant. On other transcripts: 5 prime UTR variant (1), non-coding transcript variant (1).
Genome position (GRCh38, 1-based): chr8:93,758,540, G>A. VCF-style: chr8-93758540-G-A. GRCh37 (hg19) VCF-style: chr8-94770768-G-A.
Other names: c.-8G>A (NM_001142301.1); short protein forms E124K.
Identifiers: ClinVar variation 284277 (VCV000284277.16), dbSNP rs375824494, ClinGen allele CA10604744.

ClinVar aggregate classification (germline): Conflicting classifications of pathogenicity. Review status: criteria provided, conflicting classifications (1 of 4 stars). 6 submissions from 6 submitters: Pathogenic (1); Likely pathogenic (4); Uncertain significance (1). Last evaluated 2024-04-22.

Conditions:
Nephronophthisis 11 (NPHP11). Identifiers: Orphanet 84081, MedGen C3150796, MONDO:0013302, OMIM 613550.
Bardet-Biedl syndrome 14 (BBS14). Identifiers: Orphanet 110, MedGen C2673874, MONDO:0014442, OMIM 615991.
RHYNS syndrome. Also called: RETINITIS PIGMENTOSA SYNDROME; RETINITIS PIGMENTOSA, HYPOPITUITARISM, NEPHRONOPHTHISIS, AND MILD SKELETAL DYSPLASIA. Identifiers: Orphanet 140976, MedGen C1865794, MONDO:0011202, OMIM 602152.
Joubert syndrome 6 (JBTS6). Identifiers: Orphanet 475, MedGen C1853153, MONDO:0012539, OMIM 610688.
COACH syndrome 1. Identifiers: Orphanet 1454, MedGen C5435651, MONDO:0800103, OMIM 216360, MONDO:0008996.
Meckel syndrome, type 3 (MKS3). Also called: MECKEL-GRUBER SYNDROME, TYPE 3. Identifiers: Orphanet 564, MedGen C1846357, MONDO:0011821, OMIM 607361.
TMEM67-related disorder. Also called: TMEM67-related condition; TMEM67-related disorders. Identifiers: MedGen CN239423.
Inborn genetic diseases. Identifiers: MedGen C0950123, MeSH D030342.
Joubert syndrome and related disorders. Identifiers: Orphanet 140874, MedGen C5679612, MONDO:0015369.
Meckel-Gruber syndrome. Also called: DYSENCEPHALIA SPLANCHNOCYSTICA; GRUBER SYNDROME; Dysencephalia splachnocystica. Identifiers: Orphanet 564, MedGen C0265215, MONDO:0018921.
Joubert syndrome. Also called: Familial aplasia of the vermis; JOUBERT-BOLTSHAUSER SYNDROME. Identifiers: Orphanet 475, MedGen C5979921, MONDO:0018772.

Allele frequency attached by ClinVar (database versions not stated): gnomAD 0.00001; gnomAD exomes 0.00001; TOPMed 0.00002; ESP Exome Variant Server 0.00008.
gnomAD v4.1: 17 of 1,613,874 alleles (0.0011%); highest among the groups gnomAD compares: Middle Eastern, 0.016%; no homozygotes.

Submissions (6):

Fulgent Genetics
Classification: Likely pathogenic for COACH syndrome 1; RHYNS syndrome; Meckel syndrome, type 3; Joubert syndrome 6; Nephronophthisis 11; Bardet-Biedl syndrome 14. Last evaluated: 2024-04-22. Review status: criteria provided, single submitter. Criteria: ACMG Guidelines, 2015. Collection method: clinical testing. Allele origin: germline.

Women's Health and Genetics/Laboratory Corporation of America, LabCorp
Classification: Likely pathogenic for Joubert syndrome and related disorders. Last evaluated: 2024-04-19. Review status: criteria provided, single submitter. Criteria: LabCorp Variant Classification Summary - May 2015. Collection method: clinical testing. Allele origin: germline.
Comment: Variant summary: TMEM67 c.370G>A (p.Glu124Lys) results in a conservative amino acid change in the encoded protein sequence. Four of five in-silico tools predict a benign effect of the variant on protein function. The variant was absent in 251440 control chromosomes (gnomAD). c.370G>A has been reported in the literature in individuals affected with Joubert Syndrome And Related Disorders (Iannicelli_2010, Konig_2022). These data indicate that the variant is likely to be associated with disease. To our knowledge, no experimental evidence demonstrating an impact on protein function has been reported. The following publications have been ascertained in the context of this evaluation (PMID: 20232449, 36090483). ClinVar contains an entry for this variant (Variation ID: 284277). Based on the evidence outlined above, the variant was classified as likely pathogenic.

Labcorp Genetics (formerly Invitae), Labcorp
Classification: Pathogenic for Joubert syndrome; Meckel-Gruber syndrome. Last evaluated: 2024-01-03. Review status: criteria provided, single submitter. Criteria: Invitae Variant Classification Sherloc (09022015). Collection method: clinical testing. Allele origin: germline.
Comment: This sequence change replaces glutamic acid, which is acidic and polar, with lysine, which is basic and polar, at codon 124 of the TMEM67 protein (p.Glu124Lys). This variant is not present in population databases (gnomAD no frequency). This missense change has been observed in individual(s) with Joubert syndrome and related disorders (PMID: 20232449). It has also been observed to segregate with disease in related individuals. ClinVar contains an entry for this variant (Variation ID: 284277). Advanced modeling of protein sequence and biophysical properties (such as structural, functional, and spatial information, amino acid conservation, physicochemical variation, residue mobility, and thermodynamic stability) performed at Invitae indicates that this missense variant is expected to disrupt TMEM67 protein function with a positive predictive value of 95%. For these reasons, this variant has been classified as Pathogenic.

Blueprint Genetics
Classification: Likely pathogenic for TMEM67-related disorders. Last evaluated: 2023-07-14. Review status: criteria provided, single submitter. Criteria: ACMG Guidelines, 2015. Collection method: clinical testing. Allele origin: germline. Affected: yes. Observed: 1 variant allele.

Ambry Genetics
Classification: Likely pathogenic for Inborn genetic diseases. Last evaluated: 2016-06-07. Review status: criteria provided, single submitter. Criteria: Ambry exome assertion method (8-5-2015). Collection method: clinical testing. Allele origin: germline. Affected: yes. Observed: 1 variant allele.

Eurofins Ntd Llc (ga)
Classification: Uncertain significance. Last evaluated: 2015-10-29. Review status: criteria provided, single submitter. Criteria: EGL Classification Definitions 2015. Collection method: clinical testing. Allele origin: germline. Observed: 1 variant allele, 1 heterozygote.

Literature cited by the submitters: PubMed 20232449 (cited by Women's Health and Genetics/Laboratory Corporation of America, LabCorp and Labcorp Genetics (formerly Invitae), Labcorp); PubMed 36090483 (cited by Women's Health and Genetics/Laboratory Corporation of America, LabCorp).